The following is an entry in ClinVar:

ClinVar aggregate classification (germline): Pathogenic (1 of 4 stars; one submission).

Conditions:
Bloom syndrome (BLM). Also called: Bloom-Torre-Machacek syndrome. Identifiers: Orphanet 125, MedGen C0005859, MONDO:0008876, OMIM 210900.

Submission:

Labcorp Genetics (formerly Invitae), Labcorp
Classification: Pathogenic for Bloom syndrome. Last evaluated: 2022-04-07. Review status: criteria provided, single submitter. Criteria: Invitae Variant Classification Sherloc (09022015). Collection method: clinical testing. Allele origin: germline.
Comment: This sequence change creates a premature translational stop signal (p.Lys535*) in the BLM gene. It is expected to result in an absent or disrupted protein product. Loss-of-function variants in BLM are known to be pathogenic (PMID: 17407155). This variant is not present in population databases (gnomAD no frequency). This variant has not been reported in the literature in individuals affected with BLM-related conditions. For these reasons, this variant has been classified as Pathogenic.

Literature cited by the submitters: PubMed 17407155.

NM_000057.4(BLM):c.1603A>T (p.Lys535Ter)

Gene: BLM (BLM RecQ like helicase; plus strand). Cytogenetic location: 15q26.1.
Variant type: single nucleotide variant.
Coding change: c.1603A>T on transcript NM_000057.4 (MANE Select); coding-DNA position 1603, A replaced by T.
Protein change: p.Lys535Ter; replaces lysine 535 with a stop codon.
Molecular consequence: nonsense.
Genome position (GRCh38, 1-based): chr15:90,760,976, A>T. VCF-style: chr15-90760976-A-T. GRCh37 (hg19) VCF-style: chr15-91304206-A-T.
Other names: c.1603A>T, p.Lys535Ter (NM_001287246.2, NM_001287247.2); c.478A>T, p.Lys160Ter (NM_001287248.2); short protein forms K160*, K535*.
Identifiers: ClinVar variation 2122349 (VCV002122349.4), dbSNP rs2505427409, ClinGen allele CA393843424.
Genomic context (GRCh38, chr15:90,760,976, plus strand): 5'-AATGAAAGCTCTTATTTCCCAGGAAATGTTCTCACAAGCACTGCTGTGAAAGATCAGAAT[A>T]AACATACTGCTTCAATAAATGACTTAGAAAGAGAAACCCAACCTTCCTATGATATTGATA-3'